The following is an entry in ClinVar:

ClinVar aggregate classification (germline): Likely benign (1 of 4 stars; one submission).

gnomAD v4.1: 117 of 1,613,756 alleles (0.0073%); highest among the groups gnomAD compares: South Asian, 0.11%; 2 homozygotes.

Submission:

Mayo Clinic Laboratories, Mayo Clinic
Classification: Likely benign. Last evaluated: 2025-05-12. Review status: criteria provided, single submitter. Criteria: ACMG Guidelines, 2015. Collection method: clinical testing. Allele origin: germline. Observed: 1 variant allele.
Comment: BS2, BP4_moderate

NM_001377137.1(GBF1):c.817C>A (p.Pro273Thr)

Gene: GBF1 (golgi brefeldin A resistant guanine nucleotide exchange factor 1; plus strand). Cytogenetic location: 10q24.32.
Variant type: single nucleotide variant.
Coding change: c.817C>A on transcript NM_001377137.1 (MANE Select); coding-DNA position 817, C replaced by A.
Protein change: p.Pro273Thr; replaces proline 273 with threonine.
Molecular consequence: missense variant. On other transcripts: non-coding transcript variant (5).
Genome position (GRCh38, 1-based): chr10:102,358,535, C>A. VCF-style: chr10-102358535-C-A. GRCh37 (hg19) VCF-style: chr10-104118292-C-A.
Other names: p.Pro273Thr; c.817C>A, p.Pro273Thr (NM_001199378.2, NM_001199379.2, NM_001377138.1 and 13 more transcripts); c.916C>A, p.Pro306Thr (NM_001391922.1, NM_001411027.1); c.892C>A, p.Pro298Thr (NM_001411003.1); short protein forms P273T, P298T, P306T.
Identifiers: ClinVar variation 4683542 (VCV004683542.1).
Genomic context (GRCh38, chr10:102,358,535, plus strand): 5'-TCCTTCAAGCGTCACATACTTTTCTTGGCAGGTGGCATGCCCTTCATTGATGTGCCCACT[C>A]CCATCTCCTCTGCAAGTTCAGAAGCTGCCTCAGCAGTGGTCAGTCCCTCTACAGACAGTG-3'
Protein context (NP_001364066.1, residues 263-283): GGMPFIDVPT[Pro273Thr]ISSASSEAAS